The following is an entry in ClinVar:

ClinVar aggregate classification (germline): Uncertain significance. Review status: criteria provided, multiple submitters, no conflicts (2 of 4 stars). 2 submissions from 2 submitters: Uncertain significance (2). Last evaluated 2025-05-08.

Conditions:
LRRC45-related disorder. Also called: LRRC45-related condition.

gnomAD v4.1: 27 of 1,612,314 alleles (0.0017%); highest among the groups gnomAD compares: East Asian, 0.0067%; no homozygotes.

Submissions (2):

PreventionGenetics, part of Exact Sciences
Classification: Uncertain significance for LRRC45-related condition. Last evaluated: 2025-05-08. Review status: criteria provided, single submitter. Criteria: ACMG Guidelines, 2015. Collection method: clinical testing. Allele origin: germline.
Comment: The LRRC45 c.1298G>A variant is predicted to result in the amino acid substitution p.Arg433His. To our knowledge, this variant has not been reported in the literature. This variant is reported in 0.020% of alleles in individuals of East Asian descent in gnomAD. At this time, the clinical significance of this variant is uncertain due to the absence of conclusive functional and genetic evidence.

Ambry Genetics
Classification: Uncertain significance. Last evaluated: 2024-04-29. Review status: criteria provided, single submitter. Criteria: Ambry Variant Classification Scheme 2023. Collection method: clinical testing. Allele origin: germline.

NM_144999.4(LRRC45):c.1298G>A (p.Arg433His)

Gene: LRRC45 (leucine rich repeat containing 45; plus strand). Cytogenetic location: 17q25.3.
Variant type: single nucleotide variant.
Coding change: c.1298G>A on transcript NM_144999.4 (MANE Select); coding-DNA position 1298, G replaced by A.
Protein change: p.Arg433His; replaces arginine 433 with histidine.
Molecular consequence: missense variant.
Genome position (GRCh38, 1-based): chr17:82,028,673, G>A. VCF-style: chr17-82028673-G-A. GRCh37 (hg19) VCF-style: chr17-79986549-G-A.
Other names: c.1298G>A (NM_144999.3); short protein forms R433H.
Identifiers: ClinVar variation 3291664 (VCV003291664.2).